The following is an entry in ClinVar:

ClinVar aggregate classification (germline): Uncertain significance (1 of 4 stars; one submission).

Allele frequency attached by ClinVar (database versions not stated): ExAC 0.00001; gnomAD 0.00001; TOPMed 0.00001.
gnomAD v4.1: 1 of 1,210,315 alleles (0.000083%); highest among the groups gnomAD compares: African/African-American, 0.0017%; no homozygotes.

Submission:

GeneDx
Classification: Uncertain significance. Last evaluated: 2022-10-04. Review status: criteria provided, single submitter. Criteria: GeneDx Variant Classification Process June 2021. Collection method: clinical testing. Allele origin: germline. Affected: yes.
Comment: Not observed at significant frequency in large population cohorts (gnomAD); In silico analysis supports that this missense variant has a deleterious effect on protein structure/function; Has not been previously published as pathogenic or benign to our knowledge

NM_001291867.2(NHS):c.607T>C (p.Tyr203His)

Gene: NHS (NHS actin remodeling regulator; plus strand). Cytogenetic location: Xp22.13.
Variant type: single nucleotide variant.
Coding change: c.607T>C on transcript NM_001291867.2 (MANE Select); coding-DNA position 607, T replaced by C.
Protein change: p.Tyr203His; replaces tyrosine 203 with histidine.
Molecular consequence: missense variant.
Genome position (GRCh38, 1-based): chrX:17,687,783, T>C. VCF-style: chrX-17687783-T-C. GRCh37 (hg19) VCF-style: chrX-17705903-T-C.
Other names: c.76T>C, p.Tyr26His (NM_001136024.4, NM_001291868.2); c.607T>C, p.Tyr203His (NM_198270.4); short protein forms Y203H, Y26H.
Identifiers: ClinVar variation 2497750 (VCV002497750.1), dbSNP rs780176861, ClinGen allele CA10358492.